The following is an entry in ClinVar:

ClinVar aggregate classification (germline): Likely pathogenic (1 of 4 stars; one submission).

Conditions:
Bardet-Biedl syndrome 2 (BBS2). Identifiers: Orphanet 110, MedGen C2936863, MONDO:0014432, OMIM 615981.

Submission:

Myriad Genetics, Inc.
Classification: Likely pathogenic for Bardet-Biedl syndrome 2. Last evaluated: 2021-12-17. Review status: criteria provided, single submitter. Criteria: Myriad Women's Health Autosomal Recessive and X-Linked Classification Criteria (2021). Collection method: clinical testing. Allele origin: unknown.
Comment: NM_031885.3(BBS2):c.1747G>T(E583*) is expected to be pathogenic in the context of Bardet-Biedl syndrome, BBS2-related. This variant is predicted to lead to an abnormal or absent protein product due to the creation of a premature termination codon in BBS2, a gene where loss-of-function variants are known to be pathogenic. Please note: this variant was assessed in the context of healthy population screening.

NM_031885.5(BBS2):c.1747G>T (p.Glu583Ter)

Gene: BBS2 (Bardet-Biedl syndrome 2; minus strand). Cytogenetic location: 16q13.
Variant type: single nucleotide variant.
Coding change: c.1747G>T on transcript NM_031885.5 (MANE Select); coding-DNA position 1747, G replaced by T.
Protein change: p.Glu583Ter; replaces glutamic acid 583 with a stop codon.
Molecular consequence: nonsense. On other transcripts: non-coding transcript variant (5).
Genome position (GRCh38, 1-based): chr16:56,497,793, C>A on the plus strand (G>T on the coding strand, the complement: BBS2 is on the minus strand). VCF-style: chr16-56497793-C-A. GRCh37 (hg19) VCF-style: chr16-56531705-C-A.
Other names: c.1747G>T, p.Glu583Ter (NM_001377456.1); short protein forms E583*.
Identifiers: ClinVar variation 1726503 (VCV001726503.2), dbSNP rs2543698377, ClinGen allele CA395975884.